The following is an entry in ClinVar:

ClinVar aggregate classification (germline): Pathogenic. Review status: reviewed by expert panel (3 of 4 stars). 2 submissions from 2 submitters: Pathogenic (1). 1 of the submissions does not count toward it. Last evaluated 2017-12-15.

Conditions:
Familial cancer of breast. Also called: hereditary breast carcinoma; BREAST CANCER, FAMILIAL; Hereditary breast cancer. Identifiers: Orphanet 227535, MedGen C0346153, MONDO:0016419, OMIM 114480. Disease mechanism: loss of function.
Breast-ovarian cancer, familial, susceptibility to, 1 (BROVCA1). Also called: BRCA1 Hereditary Breast and Ovarian Cancer; OVARIAN CANCER, SUSCEPTIBILITY TO. Identifiers: Orphanet 145, MedGen C2676676, MONDO:0011450, OMIM 604370. Disease mechanism: loss of function.

Submissions (2):

Evidence-based Network for the Interpretation of Germline Mutant Alleles (ENIGMA)
Classification: Pathogenic for Breast-ovarian cancer, familial, susceptibility to, 1. Last evaluated: 2017-12-15. Review status: reviewed by expert panel. Criteria: ENIGMA BRCA1/2 Classification Criteria (2017-06-29). Collection method: curation. Allele origin: germline. Study: ENIGMA.
Comment: Variant allele predicted to encode a truncated non-functional protein.

ClinVar Staff, National Center for Biotechnology Information (NCBI)
No classification provided. Condition: Familial cancer of breast. Review status: no classification provided. Collection method: literature only. Allele origin: germline. Affected: yes. Not counted in ClinVar's aggregate classification.

Literature cited by the submitters: PubMed 7606717 (cited by ClinVar Staff, National Center for Biotechnology Information (NCBI)).

NM_007294.4(BRCA1):c.72_73del (p.Pro25fs)

Gene: BRCA1 (BRCA1 DNA repair associated; minus strand). Cytogenetic location: 17q21.31.
Variant type: Deletion.
Coding change: c.72_73del on transcript NM_007294.4 (MANE Select); coding-DNA positions 72 to 73, 2 bases deleted (TC; older notation c.72_73delTC).
Protein change: p.Pro25fs; shifts the reading frame from proline 25.
Molecular consequence: frameshift variant. On other transcripts: 5 prime UTR variant (1), non-coding transcript variant (1).
Genome position (GRCh38, 1-based): chr17:43,124,024-43,124,025, GA deleted on the plus strand (TC on the coding strand, the reverse complement: BRCA1 is on the minus strand). VCF-style (leftmost placement, unchanged base first): chr17-43124023-GGA-G. GRCh37 (hg19) VCF-style: chr17-41276040-GGA-G.
Other names: c.-117_-116delTC (NM_001407571.1, NM_001407853.1, NM_001407879.1 and 46 more transcripts); c.72_73delTC, p.Pro25Hisfs (NM_001407581.1, NM_001407582.1, NM_001407583.1 and 191 more transcripts); c.-186_-185delTC (NM_001407694.1, NM_001407724.1, NM_001407727.1 and 11 more transcripts); c.-190_-189delTC (NM_001407695.1, NM_001408465.1); c.-331_-330delTC (NM_001407696.1); c.-215_-214delTC (NM_001407697.1, NM_001407846.1, NM_001407920.1); c.-16_-15delTC (NM_001407698.1, NM_001407732.1, NM_001407736.1 and 22 more transcripts); c.-189_-188delTC (NM_001407725.1, NM_001407730.1, NM_001407734.1 and 22 more transcripts); and 10 more; short protein forms P25fs.
Identifiers: ClinVar variation 55680 (VCV000055680.3), dbSNP rs397509311, ClinGen allele CA003836.
Genomic context (GRCh38, chr17:43,124,023, plus strand): 5'-GCATAGGAGATAATCATAGGAATCCCAAATTAATACACTCTTGTGCTGACTTACCAGATG[GGA>G]CACTCTAAGATTTTCTGCATAGCATTAATGACATTTTGTACTTCTTCAACGCGAAGAGCA-3'